The following is an entry in ClinVar:

ClinVar aggregate classification (germline): Likely benign (1 of 4 stars; one submission).

Conditions:
TRPC5-related disorder. Also called: TRPC5-related condition.

gnomAD v4.1: 2 of 1,211,594 alleles (0.00017%); highest among the groups gnomAD compares: Non-Finnish European, 0.00022%; no homozygotes.

Submission:

PreventionGenetics, part of Exact Sciences
Classification: Likely benign for TRPC5-related condition. Last evaluated: 2025-01-11. Review status: criteria provided, single submitter. Criteria: ACMG Guidelines, 2015. Collection method: clinical testing. Allele origin: germline.
Comment: This variant is classified as likely benign based on ACMG/AMP sequence variant interpretation guidelines (Richards et al. 2015 PMID: 25741868, with internal and published modifications).

NM_012471.3(TRPC5):c.2811T>G (p.Ser937=)

Gene: TRPC5 (transient receptor potential cation channel subfamily C member 5; minus strand). Cytogenetic location: Xq23.
Variant type: single nucleotide variant.
Coding change: c.2811T>G on transcript NM_012471.3 (MANE Select); coding-DNA position 2811, T replaced by G.
Protein change: p.Ser937=; no amino-acid change (serine 937 retained).
Molecular consequence: synonymous variant.
Genome position (GRCh38, 1-based): chrX:111,776,424, A>C on the plus strand (T>G on the coding strand, the complement: TRPC5 is on the minus strand). VCF-style: chrX-111776424-A-C. GRCh37 (hg19) VCF-style: chrX-111019652-A-C.
Identifiers: ClinVar variation 4983146 (VCV004983146.1).